The following is an entry in ClinVar:

NM_004736.4(XPR1):c.171G>C (p.Lys57Asn)

Gene: XPR1 (xenotropic and polytropic retrovirus receptor 1; plus strand). Cytogenetic location: 1q25.3.
Variant type: single nucleotide variant.
Coding change: c.171G>C on transcript NM_004736.4 (MANE Select); coding-DNA position 171, G replaced by C.
Protein change: p.Lys57Asn; replaces lysine 57 with asparagine.
Molecular consequence: missense variant. On other transcripts: non-coding transcript variant (1).
Genome position (GRCh38, 1-based): chr1:180,787,802, G>C. VCF-style: chr1-180787802-G-C. GRCh37 (hg19) VCF-style: chr1-180756938-G-C.
Other names: c.171G>C, p.Lys57Asn (NM_001135669.2, NM_001328662.2); short protein forms K57N.
Identifiers: ClinVar variation 2103309 (VCV002103309.4), dbSNP rs2525766006, ClinGen allele CA343842060.

ClinVar aggregate classification (germline): Uncertain significance (1 of 4 stars; one submission).

Submission:

Labcorp Genetics (formerly Invitae), Labcorp
Classification: Uncertain significance. Last evaluated: 2024-10-15. Review status: criteria provided, single submitter. Criteria: Invitae Variant Classification Sherloc (09022015). Collection method: clinical testing. Allele origin: germline.
Comment: This sequence change replaces lysine, which is basic and polar, with asparagine, which is neutral and polar, at codon 57 of the XPR1 protein (p.Lys57Asn). This variant is not present in population databases (gnomAD no frequency). This variant has not been reported in the literature in individuals affected with XPR1-related conditions. ClinVar contains an entry for this variant (Variation ID: 2103309). Invitae Evidence Modeling of protein sequence and biophysical properties (such as structural, functional, and spatial information, amino acid conservation, physicochemical variation, residue mobility, and thermodynamic stability) indicates that this missense variant is not expected to disrupt XPR1 protein function with a negative predictive value of 80%. In summary, the available evidence is currently insufficient to determine the role of this variant in disease. Therefore, it has been classified as a Variant of Uncertain Significance.